The following is an entry in ClinVar:

ClinVar aggregate classification (germline): Conflicting classifications of pathogenicity. Review status: criteria provided, conflicting classifications (1 of 4 stars). 3 submissions from 3 submitters: Uncertain significance (2); Likely benign (1). Last evaluated 2026-01-05.

Conditions:
Autoimmune interstitial lung disease-arthritis syndrome. Also called: Autoinflammation and autoimmunity, systemic, with immune dysregulation. Identifiers: Orphanet 444092, MedGen C5975714, MONDO:0014629.
Inborn genetic diseases. Identifiers: MedGen C0950123, MeSH D030342.

Allele frequency attached by ClinVar (database versions not stated): TOPMed below 0.00001; ExAC 0.00001; gnomAD 0.00001; gnomAD exomes 0.00001; 1000 Genomes Project 30x 0.00016; 1000 Genomes Project 0.00020.

Submissions (3):

Labcorp Genetics (formerly Invitae), Labcorp
Classification: Likely benign for Autoimmune interstitial lung disease-arthritis syndrome. Last evaluated: 2026-01-05. Review status: criteria provided, single submitter. Criteria: Invitae Variant Classification Sherloc (09022015). Collection method: clinical testing. Allele origin: germline.

Ambry Genetics
Classification: Uncertain significance for Inborn genetic diseases. Last evaluated: 2021-11-29. Review status: criteria provided, single submitter. Criteria: Ambry Variant Classification Scheme 2023. Collection method: clinical testing. Allele origin: germline.

Johns Hopkins Genomics, Johns Hopkins University
Classification: Uncertain significance for Autoinflammation and autoimmunity with immune dysregulation 1. Last evaluated: 2019-12-03. Review status: criteria provided, single submitter. Criteria: ACMG Guidelines, 2015. Collection method: clinical testing. Allele origin: germline.
Comment: COPA c.2809G>A has not been reported in ClinVar nor the literature, to our knowledge. This variant (rs552778606) is rare (<0.1%) in a large population dataset (gnomAD: 2/251438 total alleles; 0.0008%; no homozygotes). Of three bioinformatics tools queried, two predict that the substitution would be damaging, while one predicts that it would be tolerated. The glutamic acid residue at this position is highly evolutionarily conserved across all species assessed. Due to insufficient evidence that this variant is deleterious, we consider the clinical significance of c.2809G>A to be uncertain at this time.

NM_004371.4(COPA):c.2809G>A (p.Glu937Lys)

Gene: COPA (coat protein complex I subunit alpha; minus strand). Cytogenetic location: 1q23.2.
Variant type: single nucleotide variant.
Coding change: c.2809G>A on transcript NM_004371.4 (MANE Select); coding-DNA position 2809, G replaced by A.
Protein change: p.Glu937Lys; replaces glutamic acid 937 with lysine.
Molecular consequence: missense variant.
Genome position (GRCh38, 1-based): chr1:160,293,180, C>T on the plus strand (G>A on the coding strand, the complement: COPA is on the minus strand). VCF-style: chr1-160293180-C-T. GRCh37 (hg19) VCF-style: chr1-160262970-C-T.
Other names: c.2836G>A (NM_001098398.1); c.2836G>A, p.Glu946Lys (NM_001098398.2); short protein forms E937K, E946K.
Identifiers: ClinVar variation 978464 (VCV000978464.10), dbSNP rs552778606, ClinGen allele CA1197773.